The following is an entry in ClinVar:

ClinVar aggregate classification (germline): Likely benign (0 of 4 stars; one submission).

Conditions:
SEMA3C-related disorder. Also called: SEMA3C-related condition.

Allele frequency attached by ClinVar (database versions not stated): gnomAD exomes 0.00002; gnomAD 0.00004; ExAC 0.00012.
gnomAD v4.1: 27 of 1,551,188 alleles (0.0017%); highest among the groups gnomAD compares: Admixed American, 0.052%; no homozygotes.

Submission:

PreventionGenetics, part of Exact Sciences
Classification: Likely benign for SEMA3C-related condition. Last evaluated: 2021-06-17. Review status: no assertion criteria provided. Collection method: clinical testing. Allele origin: germline.
Comment: This variant is classified as likely benign based on ACMG/AMP sequence variant interpretation guidelines (Richards et al. 2015 PMID: 25741868, with internal and published modifications).

NM_006379.5(SEMA3C):c.312T>C (p.Ala104=)

Gene: SEMA3C (semaphorin 3C; minus strand). Cytogenetic location: 7q21.11.
Variant type: single nucleotide variant.
Coding change: c.312T>C on transcript NM_006379.5 (MANE Select); coding-DNA position 312, T replaced by C.
Protein change: p.Ala104=; no amino-acid change (alanine 104 retained).
Molecular consequence: synonymous variant.
Genome position (GRCh38, 1-based): chr7:80,827,440, A>G on the plus strand (T>C on the coding strand, the complement: SEMA3C is on the minus strand). VCF-style: chr7-80827440-A-G. GRCh37 (hg19) VCF-style: chr7-80456756-A-G.
Other names: c.366T>C, p.Ala122= (NM_001350120.2); c.138T>C, p.Ala46= (NM_001350121.2).
Identifiers: ClinVar variation 3045744 (VCV003045744.2), dbSNP rs766327268, ClinGen allele CA4316516.